The following is an entry in ClinVar:

NM_018122.5(DARS2):c.760G>A (p.Gly254Ser)

Gene: DARS2 (aspartyl-tRNA synthetase 2, mitochondrial; plus strand). Cytogenetic location: 1q25.1.
Variant type: single nucleotide variant.
Coding change: c.760G>A on transcript NM_018122.5 (MANE Select); coding-DNA position 760, G replaced by A.
Protein change: p.Gly254Ser; replaces glycine 254 with serine.
Molecular consequence: missense variant.
Genome position (GRCh38, 1-based): chr1:173,837,036, G>A. VCF-style: chr1-173837036-G-A. GRCh37 (hg19) VCF-style: chr1-173806174-G-A.
Other names: NM_018122.5(DARS2):c.760G>A; p.Gly254Ser; c.760G>A, p.Gly254Ser (NM_001365212.1, NM_001365213.2); short protein forms G254S.
Identifiers: ClinVar variation 1452120 (VCV001452120.10), dbSNP rs766714463, ClinGen allele CA1250225.

ClinVar aggregate classification (germline): Conflicting classifications of pathogenicity. Review status: criteria provided, conflicting classifications (1 of 4 stars). 4 submissions from 4 submitters: Pathogenic (1); Uncertain significance (3). Last evaluated 2025-07-16.

Conditions:
Leukoencephalopathy with brain stem and spinal cord involvement-high lactate syndrome (LBSL). Also called: Leukoencephalopathy with Brainstem and Spinal Cord Involvement and Lactate Elevation; LEUKOENCEPHALOPATHY WITH BRAINSTEM AND SPINAL CORD INVOLVEMENT AND LACTATE ELEVATION, MILD; MITOCHONDRIAL ASPARTYL-tRNA SYNTHETASE DEFICIENCY. Identifiers: Orphanet 137898, MedGen C1970180, MONDO:0012622, OMIM 611105.

Allele frequency attached by ClinVar (database versions not stated): ExAC 0.00002; gnomAD 0.00002; gnomAD exomes 0.00002 and 0.00003; TOPMed 0.00002.
gnomAD v4.1: 29 of 1,613,422 alleles (0.0018%); highest among the groups gnomAD compares: Admixed American, 0.005%; no homozygotes.

Submissions (4):

Dasa
Classification: Uncertain significance. Last evaluated: 2025-07-16. Review status: criteria provided, single submitter. Criteria: DASA Assertion Criteria. Collection method: clinical testing. Allele origin: germline.
Comment: NM_018122.5(DARS2):c.760G>A (p.Gly254Ser) is a missense variant that results in the substitution of glycine with serine. This variant is rare in population databases. Computational prediction algorithms are consistent with a deleterious effect. The currently available literature and clinical evidence are not sufficient to establish a definitive association between this variant and the reported condition. Therefore, this variant is classified as a variant of uncertain significance.

Broad Center for Mendelian Genomics, Broad Institute of MIT and Harvard
Classification: Uncertain significance for Leukoencephalopathy with brain stem and spinal cord involvement-high lactate syndrome. Last evaluated: 2025-01-21. Review status: criteria provided, single submitter. Criteria: ACMG Guidelines, 2015. Collection method: curation. Allele origin: germline. Inheritance: Autosomal recessive inheritance.
Comment: The p.Gly254Ser variant in DARS2 has been reported, in the compound heterozygous state, in 1 individual with leukoencephalopathy with brain stem and spinal cord involvement-high lactate syndrome (PMID: 24566671), and has been identified in 0.005% (3/59988) of Admixed chromosomes by the Genome Aggregation Database (gnomAD; dbSNP rs766714463). Although this variant has been seen in the general population in a heterozygous state, its frequency is low enough to be consistent with a recessive carrier frequency. This variant has also been reported in ClinVar (Variation ID: 1452120), and has been interpreted as Pathogenic by Invitae. Computational prediction tools and conservation analyses suggest that this variant may impact the protein, though this information is not predictive enough to determine pathogenicity. In summary, the clinical significance of the p.Gly254Ser variant is uncertain. ACMG/AMP Criteria applied: PP3_moderate, PM2_supporting, PM3_supporting (Richard 2015).

Blueprint Genetics
Classification: Uncertain significance. Last evaluated: 2024-07-30. Review status: criteria provided, single submitter. Criteria: ACMG Guidelines, 2015. Collection method: clinical testing. Allele origin: germline.

Labcorp Genetics (formerly Invitae), Labcorp
Classification: Pathogenic. Last evaluated: 2021-12-07. Review status: criteria provided, single submitter. Criteria: Invitae Variant Classification Sherloc (09022015). Collection method: clinical testing. Allele origin: germline.
Comment: For these reasons, this variant has been classified as Pathogenic. Algorithms developed to predict the effect of sequence changes on RNA splicing suggest that this variant may create or strengthen a splice site. Advanced modeling of protein sequence and biophysical properties (such as structural, functional, and spatial information, amino acid conservation, physicochemical variation, residue mobility, and thermodynamic stability) performed at Invitae indicates that this missense variant is expected to disrupt DARS2 protein function. This missense change has been observed in individual(s) with leukoencephalopathy with brainstem and spinal cord involvement and lactate elevation (PMID: 24566671; external communication). In at least one individual the data is consistent with being in trans (on the opposite chromosome) from a pathogenic variant. This variant is present in population databases (rs766714463, gnomAD 0.01%). This sequence change replaces glycine, which is neutral and non-polar, with serine, which is neutral and polar, at codon 254 of the DARS2 protein (p.Gly254Ser).

Literature cited by the submitters: PubMed 24566671 (cited by Labcorp Genetics (formerly Invitae), Labcorp).